The following is an entry in ClinVar:

NM_001267550.2(TTN):c.82786del (p.Tyr27596fs)

Genes: TTN (titin; minus strand), TTN-AS1 (TTN antisense RNA 1; plus strand). Cytogenetic location: 2q31.2.
Variant type: Deletion.
Coding change: c.82786del on transcript NM_001267550.2 (MANE Select); coding-DNA position 82786, one base deleted (T; older notation c.82786delT).
Protein change: p.Tyr27596fs; shifts the reading frame from tyrosine 27596.
Molecular consequence: frameshift variant.
Genome position (GRCh38, 1-based): chr2:178,563,346, A deleted on the plus strand (T on the coding strand, the reverse complement: TTN is on the minus strand); the first of 3 consecutive A bases (chr2:178,563,346-178,563,348); deleting any one gives the same sequence. VCF-style (leftmost placement, unchanged base first): chr2-178563345-TA-T. GRCh37 (hg19) VCF-style: chr2-179428072-TA-T.
Other names: c.77863del, p.Tyr25955fs (NM_001256850.1); c.55591del, p.Tyr18531fs (NM_003319.4); c.75082del, p.Tyr25028fs (NM_133378.4); c.55966del, p.Tyr18656fs (NM_133432.3); c.56167del, p.Tyr18723fs (NM_133437.4); short protein forms Y25028fs, Y27596fs, Y18656fs, Y18531fs, Y18723fs, Y25955fs.
Identifiers: ClinVar variation 941643 (VCV000941643.10), dbSNP rs1704380780, ClinGen allele CA1139657391.

ClinVar aggregate classification (germline): Likely pathogenic (1 of 4 stars; one submission).

Conditions:
Dilated cardiomyopathy 1G (CMD1G). Identifiers: Orphanet 154, MedGen C1858763, MONDO:0011400, OMIM 604145.
Autosomal recessive limb-girdle muscular dystrophy type 2J (LGMDR10). Also called: Limb-girdle muscular dystrophy, type 2J; MUSCULAR DYSTROPHY, LIMB-GIRDLE, AUTOSOMAL RECESSIVE 10. Identifiers: Orphanet 140922, MedGen C1837342, MONDO:0012127, OMIM 608807.

Submission:

Labcorp Genetics (formerly Invitae), Labcorp
Classification: Likely pathogenic for Dilated cardiomyopathy 1G; Autosomal recessive limb-girdle muscular dystrophy type 2J. Last evaluated: 2019-11-12. Review status: criteria provided, single submitter. Criteria: Invitae Variant Classification Sherloc (09022015). Collection method: clinical testing. Allele origin: germline.
Comment: This variant is not present in population databases (ExAC no frequency). This sequence change results in a premature translational stop signal in the TTN gene (p.Tyr27596Metfs*12). While this is not anticipated to result in nonsense mediated decay, it is expected to create a truncated TTN protein. In summary, the currently available evidence indicates that the variant is pathogenic, but additional data are needed to prove that conclusively. Therefore, this variant has been classified as Likely Pathogenic. This variant is located in the A band of TTN (PMID: 25589632). Truncating variants in this region are significantly overrepresented in patients affected with dilated cardiomyopathy (PMID: 25589632). Truncating variants in this region have also been reported in individuals affected with autosomal recessive centronuclear myopathy (PMID: 23975875). This variant has not been reported in the literature in individuals with TTN-related conditions.

Literature cited by the submitters: PubMed 25589632; PubMed 23975875.